The following is an entry in ClinVar:

ClinVar aggregate classification (germline): Conflicting classifications of pathogenicity. Review status: criteria provided, conflicting classifications (1 of 4 stars). 2 submissions from 2 submitters: Uncertain significance (1); Likely benign (1). Last evaluated 2022-11-01.

Allele frequency attached by ClinVar (database versions not stated): 1000 Genomes Project 30x 0.00109; 1000 Genomes Project 0.00140; ESP Exome Variant Server 0.00290.

Submissions (2):

CeGaT Center for Human Genetics Tuebingen
Classification: Likely benign. Last evaluated: 2022-11-01. Review status: criteria provided, single submitter. Criteria: CeGaT Center For Human Genetics Tuebingen Variant Classification Criteria Version 2. Collection method: clinical testing. Allele origin: germline. Affected: yes. Observed: 1 variant allele.
Comment: SPATA31A1: BP4, BS2

Ambry Genetics
Classification: Uncertain significance. Last evaluated: 2021-09-17. Review status: criteria provided, single submitter. Criteria: Ambry Variant Classification Scheme 2023. Collection method: clinical testing. Allele origin: germline.

NM_001085452.4(SPATA31A1):c.3314C>T (p.Pro1105Leu)

Gene: SPATA31A1 (SPATA31 subfamily A member 1; plus strand). Cytogenetic location: 9p12.
Variant type: single nucleotide variant.
Coding change: c.3314C>T on transcript NM_001085452.4 (MANE Select); coding-DNA position 3314, C replaced by T.
Protein change: p.Pro1105Leu; replaces proline 1105 with leucine.
Molecular consequence: missense variant.
Genome position (GRCh38, 1-based): chr9:39,361,079, C>T. VCF-style: chr9-39361079-C-T. GRCh37 (hg19) VCF-style: chr9-39361076-C-T.
Other names: NM_001040065.1:c.3314C>T; short protein forms P1105L.
Identifiers: ClinVar variation 2659207 (VCV002659207.25), dbSNP rs200116475, ClinGen allele CA5065791.
Genomic context (GRCh38, chr9:39,361,079, plus strand): 5'-ACGAGGAGCCCAGAAACCCAAACTGTCAAGGCTCATGCAAGAACCAAAGGCCAATGTTTC[C>T]CCCTATTCACAAGAGTGAGAAGTCTAGGAAGCCCAACTTAGAAAAACATGAAGAAAGGCT-3'
Protein context (NP_001078921.3, residues 1095-1115): GSCKNQRPMF[Pro1105Leu]PIHKSEKSRK